The following is an entry in ClinVar:

ClinVar aggregate classification (germline): Uncertain significance. Review status: criteria provided, multiple submitters, no conflicts (2 of 4 stars). 3 submissions from 3 submitters: Uncertain significance (3). Last evaluated 2024-10-18.

Conditions:
Familial thoracic aortic aneurysm and aortic dissection (TAAD). Also called: Thoracic aortic aneurysms and dissections. Identifiers: Orphanet 91387, MedGen C4707243, MONDO:0019625.
Marfan syndrome (MFS). Also called: FBN1-Related Marfan Syndrome; MARFAN SYNDROME, TYPE I; Marfan syndrome type 1; Marfan's syndrome; Marfan syndrome, classic. Identifiers: Orphanet 284963, Orphanet 558, MedGen C0024796, MONDO:0007947, OMIM 154700.

Allele frequency attached by ClinVar (database versions not stated): ExAC 0.00001; gnomAD exomes 0.00001.
gnomAD v4.1: 10 of 1,614,130 alleles (0.00062%); highest among the groups gnomAD compares: Middle Eastern, 0.017%; no homozygotes.

Submissions (3):

GeneDx
Classification: Uncertain significance. Last evaluated: 2024-10-18. Review status: criteria provided, single submitter. Criteria: GeneDx Variant Classification Process June 2021. Collection method: clinical testing. Allele origin: germline. Affected: yes.
Comment: Not observed at significant frequency in large population cohorts (gnomAD); In silico analysis supports that this missense variant has a deleterious effect on protein structure/function; Has not been previously published as pathogenic or benign to our knowledge; Does not affect a cysteine or calcium-binding residue within an EGF-like domain or a TGF-binding protein domain of the FBN1 gene; cysteine substitutions in the EGF-like domains represent the majority of pathogenic missense changes associated with FBN1-related disorders (PMID: 12938084); This variant is associated with the following publications: (PMID: 12938084)

Labcorp Genetics (formerly Invitae), Labcorp
Classification: Uncertain significance for Marfan syndrome; Familial thoracic aortic aneurysm and aortic dissection. Last evaluated: 2021-08-30. Review status: criteria provided, single submitter. Criteria: Invitae Variant Classification Sherloc (09022015). Collection method: clinical testing. Allele origin: germline.
Comment: This sequence change replaces aspartic acid with glycine at codon 1398 of the FBN1 protein (p.Asp1398Gly). The aspartic acid residue is highly conserved and there is a moderate physicochemical difference between aspartic acid and glycine. This variant is present in population databases (rs781045902, ExAC 0.002%). This variant has not been reported in the literature in individuals affected with FBN1-related conditions. Algorithms developed to predict the effect of missense changes on protein structure and function are either unavailable or do not agree on the potential impact of this missense change (SIFT: "Deleterious"; PolyPhen-2: "Benign"; Align-GVGD: "Class C65"). In summary, the available evidence is currently insufficient to determine the role of this variant in disease. Therefore, it has been classified as a Variant of Uncertain Significance.

Color Diagnostics, LLC DBA Color Health
Classification: Uncertain significance for Familial thoracic aortic aneurysm and aortic dissection. Last evaluated: 2020-05-12. Review status: criteria provided, single submitter. Criteria: ACMG Guidelines, 2015. Collection method: clinical testing. Allele origin: germline.
Comment: This missense variant replaces aspartic acid with glycine at codon 1398 of the FBN1 protein. Computational prediction suggests that this variant may have deleterious impact on protein structure and function (internally defined REVEL score threshold >= 0.7, PMID: 27666373). To our knowledge, functional studies have not been reported for this variant. This variant has not been reported in individuals affected with cardiovascular disorders in the literature. This variant has not been identified in the general population by the Genome Aggregation Database (gnomAD). The available evidence is insufficient to determine the role of this variant in disease conclusively. Therefore, this variant is classified as a Variant of Uncertain Significance.

NM_000138.5(FBN1):c.4193A>G (p.Asp1398Gly)

Gene: FBN1 (fibrillin 1; minus strand). Cytogenetic location: 15q21.1.
Variant type: single nucleotide variant.
Coding change: c.4193A>G on transcript NM_000138.5 (MANE Select); coding-DNA position 4193, A replaced by G.
Protein change: p.Asp1398Gly; replaces aspartic acid 1398 with glycine.
Molecular consequence: missense variant.
Genome position (GRCh38, 1-based): chr15:48,474,272, T>C on the plus strand (A>G on the coding strand, the complement: FBN1 is on the minus strand). VCF-style: chr15-48474272-T-C. GRCh37 (hg19) VCF-style: chr15-48766469-T-C.
Other names: short protein forms D1398G.
Identifiers: ClinVar variation 1018326 (VCV001018326.5), dbSNP rs781045902, ClinGen allele CA052158.